The following is an entry in ClinVar:

NM_014946.4(SPAST):c.416-240A>G

Gene: SPAST (spastin; plus strand). Cytogenetic location: 2p22.3.
Variant type: single nucleotide variant.
Coding change: c.416-240A>G on transcript NM_014946.4 (MANE Select); 240 bases into the intron before coding-DNA position 416, A replaced by G.
Molecular consequence: intron variant.
Genome position (GRCh38, 1-based): chr2:32,087,252, A>G. VCF-style: chr2-32087252-A-G. GRCh37 (hg19) VCF-style: chr2-32312321-A-G.
Other names: c.416-240A>G (NM_199436.2, NM_001377959.1); c.416-243A>G (NM_001363823.2, NM_001363875.2).
Identifiers: ClinVar variation 681654 (VCV000681654.1), dbSNP rs150788361, ClinGen allele CA11248108.
Genomic context (GRCh38, chr2:32,087,252, plus strand): 5'-AAATTCCTAAATAAAATGTCTTTCTGTAATACAGCATTTTAGGTTATAAGGATCAATACC[A>G]TGGGCTGATAAGCAAAATAGGACTCACGGCCCCAAAATGTTGATAAACATCATGACCATA-3'

ClinVar aggregate classification (germline): Likely benign (1 of 4 stars; one submission).

Allele frequency attached by ClinVar (database versions not stated): 1000 Genomes Project 0.00679; 1000 Genomes Project 30x 0.00687; gnomAD 0.00823 and 0.00887; TOPMed 0.00917.
gnomAD v4.1: 1,241 of 152,314 alleles (0.81%); highest among the groups gnomAD compares: African/African-American, 2.8%; 20 homozygotes.

Submission:

GeneDx
Classification: Likely benign. Last evaluated: 2018-06-14. Review status: criteria provided, single submitter. Criteria: GeneDx Variant Classification (06012015). Collection method: clinical testing. Allele origin: germline. Affected: yes.
Comment: This variant is considered likely benign or benign based on one or more of the following criteria: it is a conservative change, it occurs at a poorly conserved position in the protein, it is predicted to be benign by multiple in silico algorithms, and/or has population frequency not consistent with disease.